The following is an entry in ClinVar:

ClinVar aggregate classification (germline): Benign/Likely benign. Review status: criteria provided, multiple submitters, no conflicts (2 of 4 stars). 4 submissions from 4 submitters: Benign (1); Likely benign (3). Last evaluated 2024-12-31.

Conditions:
Hereditary cancer-predisposing syndrome. Also called: Neoplastic Syndromes, Hereditary; Tumor predisposition; Hereditary Cancer Syndrome; Hereditary neoplastic syndrome. Identifiers: Orphanet 140162, MedGen C0027672, MeSH D009386, MONDO:0015356.
Hereditary nonpolyposis colorectal neoplasms. Identifiers: MedGen C0009405, MeSH D003123.
Lynch syndrome 5 (LYNCH5). Also called: Colorectal cancer, hereditary nonpolyposis, type 5; Hereditary non-polyposis colorectal cancer, type 5. Identifiers: Orphanet 144, MedGen C1833477, MONDO:0013710, OMIM 614350. Disease mechanism: loss of function.

Submissions (4):

Myriad Genetics, Inc.
Classification: Benign for Lynch syndrome 5. Last evaluated: 2024-12-31. Review status: criteria provided, single submitter. Criteria: Myriad Autosomal Dominant, Autosomal Recessive and X-Linked Classification Criteria (2023). Collection method: clinical testing. Allele origin: unknown.
Comment: This variant is considered benign. This variant is a silent/synonymous amino acid change and it is not expected to impact splicing.

Color Diagnostics, LLC DBA Color Health
Classification: Likely benign for Hereditary cancer-predisposing syndrome. Last evaluated: 2024-12-10. Review status: criteria provided, single submitter. Criteria: ACMG Guidelines, 2015. Collection method: clinical testing. Allele origin: germline.

Labcorp Genetics (formerly Invitae), Labcorp
Classification: Likely benign for Hereditary nonpolyposis colorectal neoplasms. Last evaluated: 2021-01-31. Review status: criteria provided, single submitter. Criteria: Invitae Variant Classification Sherloc (09022015). Collection method: clinical testing. Allele origin: germline.

Ambry Genetics
Classification: Likely benign for Hereditary cancer-predisposing syndrome. Last evaluated: 2017-08-31. Review status: criteria provided, single submitter. Criteria: Ambry Variant Classification Scheme 2023. Collection method: clinical testing. Allele origin: germline.

NM_000179.3(MSH6):c.2304T>G (p.Pro768=)

Gene: MSH6 (mutS homolog 6; plus strand). Cytogenetic location: 2p16.3.
Variant type: single nucleotide variant.
Coding change: c.2304T>G on transcript NM_000179.3 (MANE Select); coding-DNA position 2304, T replaced by G.
Protein change: p.Pro768=; no amino-acid change (proline 768 retained).
Molecular consequence: synonymous variant.
Genome position (GRCh38, 1-based): chr2:47,800,287, T>G. VCF-style: chr2-47800287-T-G. GRCh37 (hg19) VCF-style: chr2-48027426-T-G.
Other names: c.1914T>G, p.Pro638= (NM_001281492.2); c.1398T>G, p.Pro466= (NM_001281493.2, NM_001281494.2).
Identifiers: ClinVar variation 483886 (VCV000483886.17), dbSNP rs1553413685, ClinGen allele CA426121443.